The following is an entry in ClinVar:

NM_032520.5(GNPTG):c.384_385dup (p.Cys129fs)

Gene: GNPTG (N-acetylglucosamine-1-phosphate transferase subunit gamma; plus strand). Cytogenetic location: 16p13.3.
Variant type: Duplication.
Coding change: c.384_385dup on transcript NM_032520.5 (MANE Select); coding-DNA positions 384 to 385, 2 bases duplicated (CT; older notation c.384_385dupCT).
Protein change: p.Cys129fs; shifts the reading frame from cysteine 129.
Molecular consequence: frameshift variant.
Genome position (GRCh38, 1-based): chr16:1,362,104-1,362,105, CT duplicated. VCF-style (leftmost placement, unchanged base first): chr16-1362103-C-CCT. GRCh37 (hg19) VCF-style: chr16-1412104-C-CCT.
Other names: short protein forms C129fs.
Identifiers: ClinVar variation 2731676 (VCV002731676.4), dbSNP rs2548189890, ClinGen allele CA2697549478.

ClinVar aggregate classification (germline): Pathogenic/Likely pathogenic. Review status: criteria provided, multiple submitters, no conflicts (2 of 4 stars). 2 submissions from 2 submitters: Pathogenic (1); Likely pathogenic (1). Last evaluated 2024-05-08.

Conditions:
GNPTG-mucolipidosis. Also called: MUCOLIPIDOSIS III, COMPLEMENTATION GROUP C; MUCOLIPIDOSIS III, IRANIAN VARIANT FORM; MUCOLIPIDOSIS III, VARIANT FORM; ML III GAMMA; ML IIIC; Mucolipidosis type III gamma. Identifiers: Orphanet 423470, Orphanet 577, MedGen C1854896, MONDO:0009652, OMIM 252605.

Submissions (2):

Fulgent Genetics
Classification: Likely pathogenic for GNPTG-mucolipidosis. Last evaluated: 2024-05-08. Review status: criteria provided, single submitter. Criteria: ACMG Guidelines, 2015. Collection method: clinical testing. Allele origin: germline.

Labcorp Genetics (formerly Invitae), Labcorp
Classification: Pathogenic. Last evaluated: 2023-07-15. Review status: criteria provided, single submitter. Criteria: Invitae Variant Classification Sherloc (09022015). Collection method: clinical testing. Allele origin: germline.
Comment: For these reasons, this variant has been classified as Pathogenic. This variant has not been reported in the literature in individuals affected with GNPTG-related conditions. This variant is not present in population databases (gnomAD no frequency). This sequence change creates a premature translational stop signal (p.Cys129Serfs*34) in the GNPTG gene. It is expected to result in an absent or disrupted protein product. Loss-of-function variants in GNPTG are known to be pathogenic (PMID: 19370764, 20301784).

Literature cited by the submitters: PubMed 19370764 (cited by Labcorp Genetics (formerly Invitae), Labcorp); PubMed 20301784 (cited by Labcorp Genetics (formerly Invitae), Labcorp).